The following is an entry in ClinVar:

ClinVar aggregate classification (germline): Uncertain significance (1 of 4 stars; one submission).

Submission:

Labcorp Genetics (formerly Invitae), Labcorp
Classification: Uncertain significance. Last evaluated: 2023-02-08. Review status: criteria provided, single submitter. Criteria: Invitae Variant Classification Sherloc (09022015). Collection method: clinical testing. Allele origin: germline.
Comment: This variant is not present in population databases (gnomAD no frequency). This variant has not been reported in the literature in individuals affected with CHD8-related conditions. ClinVar contains an entry for this variant (Variation ID: 1721264). Advanced modeling of protein sequence and biophysical properties (such as structural, functional, and spatial information, amino acid conservation, physicochemical variation, residue mobility, and thermodynamic stability) performed at Invitae indicates that this missense variant is not expected to disrupt CHD8 protein function. In summary, the available evidence is currently insufficient to determine the role of this variant in disease. Therefore, it has been classified as a Variant of Uncertain Significance. This sequence change replaces methionine, which is neutral and non-polar, with threonine, which is neutral and polar, at codon 2271 of the CHD8 protein (p.Met2271Thr).

NM_001170629.2(CHD8):c.6812T>C (p.Met2271Thr)

Genes: CHD8 (chromodomain helicase DNA binding protein 8; minus strand), LOC126861888 (CDK7 strongly-dependent group 2 enhancer GRCh37_chr14:21859227-21860426; plus strand). Cytogenetic location: 14q11.2.
Variant type: single nucleotide variant.
Coding change: c.6812T>C on transcript NM_001170629.2 (MANE Select); coding-DNA position 6812, T replaced by C.
Protein change: p.Met2271Thr; replaces methionine 2271 with threonine.
Molecular consequence: missense variant.
Genome position (GRCh38, 1-based): chr14:21,391,906, A>G on the plus strand (T>C on the coding strand, the complement: CHD8 is on the minus strand). VCF-style: chr14-21391906-A-G. GRCh37 (hg19) VCF-style: chr14-21860065-A-G.
Other names: c.5975T>C, p.Met1992Thr (NM_020920.4); short protein forms M1992T, M2271T.
Identifiers: ClinVar variation 1721264 (VCV001721264.6), dbSNP rs2501845789, ClinGen allele CA388877552.